The following is an entry in ClinVar:

ClinVar aggregate classification (germline): Conflicting classifications of pathogenicity. Review status: criteria provided, conflicting classifications (1 of 4 stars). 8 submissions from 8 submitters: Uncertain significance (6); Likely benign (2). Last evaluated 2026-01-28.

Conditions:
Joubert syndrome 17 (JBTS17). Identifiers: Orphanet 475, MedGen C3553264, MONDO:0013824, OMIM 614615.
Orofaciodigital syndrome type 6 (OFD6). Also called: OROFACIODIGITAL SYNDROME VI; OFDS VI; POLYDACTYLY, CLEFT LIP/PALATE OR LINGUAL LUMP, AND PSYCHOMOTOR RETARDATION; VARADI SYNDROME; VARADI-PAPP SYNDROME; Oral-facial-digital syndrome type 6. Identifiers: Orphanet 2754, MedGen C2745997, MONDO:0010176, OMIM 277170.
Inborn genetic diseases. Identifiers: MedGen C0950123, MeSH D030342.

Allele frequency attached by ClinVar (database versions not stated): 1000 Genomes Project 0.00020; 1000 Genomes Project 30x 0.00031; TOPMed 0.00038; ExAC 0.00042; gnomAD 0.00045 and 0.00046; gnomAD exomes 0.00045 and 0.00067; ESP Exome Variant Server 0.00046.

Submissions (8):

Labcorp Genetics (formerly Invitae), Labcorp
Classification: Likely benign. Last evaluated: 2026-01-28. Review status: criteria provided, single submitter. Criteria: Invitae Variant Classification Sherloc (09022015). Collection method: clinical testing. Allele origin: germline.

Women's Health and Genetics/Laboratory Corporation of America, LabCorp
Classification: Uncertain significance. Last evaluated: 2025-10-01. Review status: criteria provided, single submitter. Criteria: LabCorp Variant Classification Summary - May 2015. Collection method: clinical testing. Allele origin: germline.
Comment: Variant summary: CPLANE1 c.8516C>T (p.Pro2839Leu) results in a non-conservative amino acid change in the encoded protein sequence. Algorithms developed to predict the effect of missense changes on protein structure and function are either unavailable or do not agree on the potential impact of this missense change. The variant allele was found at a frequency of 0.00046 in 275666 control chromosomes. This frequency is not significantly higher than estimated for disease-causing variants in CPLANE1, allowing no conclusion about variant significance.c.8516C>T has not been reported in the literature in individuals affected with Joubert Syndrome And Related Disorders. To our knowledge, no experimental evidence demonstrating an impact on protein function has been reported. The following publication have been ascertained in the context of this evaluation (PMID: 28771248). ClinVar contains an entry for this variant (Variation ID: 353421). Based on the evidence outlined above, the variant was classified as uncertain significance.

CeGaT Center for Human Genetics Tuebingen
Classification: Likely benign. Last evaluated: 2025-06-01. Review status: criteria provided, single submitter. Criteria: CeGaT Center For Human Genetics Tuebingen Variant Classification Criteria Version 2. Collection method: clinical testing. Allele origin: germline. Affected: yes. Observed: 1 variant allele.
Comment: CPLANE1: BP4

Blueprint Genetics
Classification: Uncertain significance. Last evaluated: 2024-10-16. Review status: criteria provided, single submitter. Criteria: ACMG Guidelines, 2015. Collection method: clinical testing. Allele origin: germline.

Ambry Genetics
Classification: Uncertain significance for Inborn genetic diseases. Last evaluated: 2023-08-03. Review status: criteria provided, single submitter. Criteria: Ambry Variant Classification Scheme 2023. Collection method: clinical testing. Allele origin: germline.

Fulgent Genetics
Classification: Uncertain significance for Orofaciodigital syndrome type 6; Joubert syndrome 17. Last evaluated: 2018-10-31. Review status: criteria provided, single submitter. Criteria: ACMG Guidelines, 2015. Collection method: clinical testing. Allele origin: unknown.

GeneDx
Classification: Uncertain significance. Last evaluated: 2018-08-13. Review status: criteria provided, single submitter. Criteria: GeneDx Variant Classification (06012015). Collection method: clinical testing. Allele origin: germline. Affected: yes.
Comment: A variant of uncertain significance has been identified in the C5orf42 gene. The P2839L variant has not been published as a pathogenic variant, nor has it been reported as a benign variant to our knowledge. This variant is observed in 8/9894 (0.08%) alleles from individuals of Ashkenazi Jewish background in large population cohorts (Lek et al., 2016). The P2839L variant is a semi-conservative amino acid substitution, which may impact secondary protein structure as these residues differ in some properties. In-silico analyses, including protein predictors and evolutionary conservation, support a deleterious effect. Therefore, based on the currently available information, it is unclear whether this variant is a pathogenic variant or a rare benign variant.

Illumina Laboratory Services, Illumina
Classification: Uncertain significance for Joubert syndrome 17. Last evaluated: 2018-01-12. Review status: criteria provided, single submitter. Criteria: ICSL Variant Classification Criteria 13 December 2019. Collection method: clinical testing. Allele origin: germline.

Literature cited by the submitters: PubMed 28771248 (cited by Women's Health and Genetics/Laboratory Corporation of America, LabCorp).

NM_001384732.1(CPLANE1):c.8678C>T (p.Pro2893Leu)

Gene: CPLANE1 (ciliogenesis and planar polarity effector complex subunit 1; minus strand). Cytogenetic location: 5p13.2.
Variant type: single nucleotide variant.
Coding change: c.8678C>T on transcript NM_001384732.1 (MANE Select); coding-DNA position 8678, C replaced by T.
Protein change: p.Pro2893Leu; replaces proline 2893 with leucine.
Molecular consequence: missense variant.
Genome position (GRCh38, 1-based): chr5:37,138,834, G>A on the plus strand (C>T on the coding strand, the complement: CPLANE1 is on the minus strand). VCF-style: chr5-37138834-G-A. GRCh37 (hg19) VCF-style: chr5-37138936-G-A.
Other names: c.8516C>T, p.Pro2839Leu (NM_023073.4); short protein forms P2839L, P2893L.
Identifiers: ClinVar variation 353421 (VCV000353421.29), dbSNP rs147426388, ClinGen allele CA3237697.